The following is an entry in ClinVar:

NM_002080.4(GOT2):c.908G>A (p.Arg303Lys)

Gene: GOT2 (glutamic-oxaloacetic transaminase 2; minus strand). Cytogenetic location: 16q21.
Variant type: single nucleotide variant.
Coding change: c.908G>A on transcript NM_002080.4 (MANE Select); coding-DNA position 908, G replaced by A.
Protein change: p.Arg303Lys; replaces arginine 303 with lysine.
Molecular consequence: missense variant.
Genome position (GRCh38, 1-based): chr16:58,716,125, C>T on the plus strand (G>A on the coding strand, the complement: GOT2 is on the minus strand). VCF-style: chr16-58716125-C-T. GRCh37 (hg19) VCF-style: chr16-58750029-C-T.
Other names: c.779G>A, p.Arg260Lys (NM_001286220.2); short protein forms R260K, R303K.
Identifiers: ClinVar variation 2420473 (VCV002420473.6), dbSNP rs371259097, ClinGen allele CA8090907.

ClinVar aggregate classification (germline): Uncertain significance (1 of 4 stars; one submission).

Allele frequency attached by ClinVar (database versions not stated): ExAC 0.00002; gnomAD exomes 0.00002; TOPMed 0.00003; gnomAD 0.00005; ESP Exome Variant Server 0.00008.
gnomAD v4.1: 31 of 1,613,930 alleles (0.0019%); highest among the groups gnomAD compares: African/African-American, 0.0053%; no homozygotes.

Submission:

Labcorp Genetics (formerly Invitae), Labcorp
Classification: Uncertain significance. Last evaluated: 2022-08-05. Review status: criteria provided, single submitter. Criteria: Invitae Variant Classification Sherloc (09022015). Collection method: clinical testing. Allele origin: germline.
Comment: In summary, the available evidence is currently insufficient to determine the role of this variant in disease. Therefore, it has been classified as a Variant of Uncertain Significance. Algorithms developed to predict the effect of sequence changes on RNA splicing suggest that this variant may create or strengthen a splice site. Algorithms developed to predict the effect of missense changes on protein structure and function output the following: SIFT: "Tolerated"; PolyPhen-2: "Benign"; Align-GVGD: "Class C0". The lysine amino acid residue is found in multiple mammalian species, which suggests that this missense change does not adversely affect protein function. This variant has not been reported in the literature in individuals affected with GOT2-related conditions. This variant is present in population databases (rs371259097, gnomAD 0.01%). This sequence change replaces arginine, which is basic and polar, with lysine, which is basic and polar, at codon 303 of the GOT2 protein (p.Arg303Lys).